The following is an entry in ClinVar:

NM_017841.4(SDHAF2):c.363G>A (p.Trp121Ter)

Gene: SDHAF2 (succinate dehydrogenase complex assembly factor 2; plus strand). Cytogenetic location: 11q12.2.
Variant type: single nucleotide variant.
Coding change: c.363G>A on transcript NM_017841.4 (MANE Select); coding-DNA position 363, G replaced by A.
Protein change: p.Trp121Ter; replaces tryptophan 121 with a stop codon.
Molecular consequence: nonsense.
Genome position (GRCh38, 1-based): chr11:61,438,106, G>A. VCF-style: chr11-61438106-G-A. GRCh37 (hg19) VCF-style: chr11-61205578-G-A.
Other names: short protein forms W121*.
Identifiers: ClinVar variation 403422 (VCV000403422.14), dbSNP rs1060499901, ClinGen allele CA16609747.

ClinVar aggregate classification (germline): Conflicting classifications of pathogenicity. Review status: criteria provided, conflicting classifications (1 of 4 stars). 7 submissions from 7 submitters: Pathogenic (2); Likely pathogenic (2); Uncertain significance (3). Last evaluated 2026-01-13.

Conditions:
Hereditary cancer-predisposing syndrome. Also called: Neoplastic Syndromes, Hereditary; Tumor predisposition; Hereditary Cancer Syndrome; Hereditary neoplastic syndrome. Identifiers: Orphanet 140162, MedGen C0027672, MeSH D009386, MONDO:0015356.
Hereditary pheochromocytoma and paraganglioma. Also called: Hereditary Paraganglioma-Pheochromocytoma Syndromes; Hereditary paragangliomas and pheochromocytomas; Hereditary pheochromocytoma-paraganglioma. Identifiers: Orphanet 29072, MedGen C4274332, MONDO:0017366.
Pheochromocytoma/paraganglioma syndrome 2. Also called: SDHAF2-Related Hereditary Paraganglioma-Pheochromocytoma Syndrome; GLOMUS TUMORS, FAMILIAL, 2; SDHAF2-Related Hereditary Paraganglioma-Pheochromocytoma Syndrome (Paragangliomas 2); Paragangliomas 2. Identifiers: Orphanet 29072, MedGen C1866552, MONDO:0011121, OMIM 601650.

Submissions (7):

Myriad Genetics, Inc.
Classification: Pathogenic for Pheochromocytoma/paraganglioma syndrome 2. Last evaluated: 2026-01-13. Review status: criteria provided, single submitter. Criteria: Myriad Autosomal Dominant, Autosomal Recessive and X-Linked Classification Criteria (2023). Collection method: clinical testing. Allele origin: unknown.
Comment: This variant is considered pathogenic. This variant creates a termination codon and is predicted to result in premature protein truncation.

Color Diagnostics, LLC DBA Color Health
Classification: Likely pathogenic for Hereditary pheochromocytoma and paraganglioma. Last evaluated: 2025-07-09. Review status: criteria provided, single submitter. Criteria: ACMG Guidelines, 2015. Collection method: clinical testing. Allele origin: germline.
Comment: This variant changes 1 nucleotide in exon 3/4 of the SDHAF2 gene, creating a premature translation stop signal. This variant is not expected to result in nonsense-mediated decay but does remove the last 46 amino acids from the protein and expected to result in an absent or non-functional protein product. The mature processed SDHAF2 protein is encoded by aa37-166 (PMID: 24414418). A SDHAF2 protein encoding aa37-151 have been shown defective for both SDHA binding and flavination (PMID: 32887801). To our knowledge, functional studies have not been reported for this variant. This variant has been reported in individuals affected with head and neck paraganglioma (PMID: 26269449). This variant has not been identified in the general population by the Genome Aggregation Database (gnomAD). Based on the available evidence, this variant is classified as Likely Pathogenic.

Labcorp Genetics (formerly Invitae), Labcorp
Classification: Uncertain significance for Hereditary pheochromocytoma and paraganglioma. Last evaluated: 2025-02-10. Review status: criteria provided, single submitter. Criteria: Invitae Variant Classification Sherloc (09022015). Collection method: clinical testing. Allele origin: germline.
Comment: This sequence change creates a premature translational stop signal (p.Trp121*) in the SDHAF2 gene. While this is not anticipated to result in nonsense mediated decay, it is expected to disrupt the last 46 amino acid(s) of the SDHAF2 protein. This variant is not present in population databases (gnomAD no frequency). This variant has not been reported in the literature in individuals affected with SDHAF2-related conditions. ClinVar contains an entry for this variant (Variation ID: 403422). In summary, the available evidence is currently insufficient to determine the role of this variant in disease. Therefore, it has been classified as a Variant of Uncertain Significance.

GeneDx
Classification: Likely pathogenic. Last evaluated: 2024-09-16. Review status: criteria provided, single submitter. Criteria: GeneDx Variant Classification Process June 2021. Collection method: clinical testing. Allele origin: germline. Affected: yes.
Comment: Nonsense variant predicted to result in protein truncation, as the last 46 amino acid(s) are lost, and other loss-of-function variants have been reported downstream; Not observed at significant frequency in large population cohorts (gnomAD); Has not been previously published as pathogenic or benign to our knowledge

All of Us Research Program, National Institutes of Health
Classification: Uncertain significance for Hereditary pheochromocytoma and paraganglioma. Last evaluated: 2023-10-23. Review status: criteria provided, single submitter. Criteria: ACMG Guidelines, 2015. Collection method: clinical testing. Allele origin: germline. Inheritance: Autosomal dominant inheritance. Observed: 1 variant allele, 1 heterozygote.
Comment: This variant changes 1 nucleotide in exon 3 of the SDHAF2 gene, creating a premature translation stop signal in the last coding exon. This mutant transcript is predicted to escape nonsense-mediated decay and be expressed as a truncated protein deleting the last 46 amino acids. However, the clinical relevance of the loss of this C-terminal region is not known. To our knowledge, this variant has not been reported in individuals affected with hereditary cancer in the literature. Another variant at this codon (c.362G>A, p.Trp121Ter) has been reported in an individual affected with paranganglioma (ClinVar ID: 1044850, PMID: 26269449). This variant has not been identified in the general population by the Genome Aggregation Database (gnomAD). The available evidence is insufficient to determine the role of this variant in disease conclusively. Therefore, this variant is classified as a Variant of Uncertain Significance.

This study involves interpretation of variants in research participants for the purpose of population health screening. Participant phenotype was not available at the time of variant classification. Additional details can be found in publication PMID: 35346344, PMCID: PMC8962531

Ambry Genetics
Classification: Pathogenic for Hereditary cancer-predisposing syndrome. Last evaluated: 2022-12-23. Review status: criteria provided, single submitter. Criteria: Ambry Variant Classification Scheme 2023. Collection method: clinical testing. Allele origin: germline.
Comment: The p.W121* pathogenic mutation (also known as c.363G>A), located in coding exon 3 of the SDHAF2 gene, results from a G to A substitution at nucleotide position 363. This changes the amino acid from a tryptophan to a stop codon within coding exon 3. This alteration occurs at the 3' terminus of theSDHAF2 gene, is not expected to trigger nonsense-mediated mRNA decay, and only impacts the last 46 amino acids of the protein. However, premature stop codons are typically deleterious in nature, a significant portion of the protein is affected, and the impacted region is critical for protein function (Ambry internal data). Based on internal structural analysis, this mutation removes a large portion of the SDHAF2-SDHA interface and is likely to disrupt protein function and stability (Hao HX et al. Science, 2009 Aug;325:1139-42; Eletsky A et al. Biochemistry, 2012 Oct;51:8475-7; Sharma P et al. Proc Natl Acad Sci U S A, 2020 Sep;117:23548-23556). c.363G>A is considered to be rare based on population cohorts in the Genome Aggregation Database (gnomAD). Based on the supporting evidence, this alteration is interpreted as a disease-causing mutation.

Laboratory for Molecular Medicine, Mass General Brigham Personalized Medicine
Classification: Uncertain significance. Last evaluated: 2016-03-29. Review status: criteria provided, single submitter. Criteria: LMM Criteria. Collection method: clinical testing. Allele origin: germline.
Comment: Variant identified in a genome or exome case(s) and assessed due to predicted null impact of the variant or pathogenic assertions in the literature or databases. Disclaimer: This variant has not undergone full assessment. The following are preliminary notes: Absent from ExAC, LOF, but in penultimate exon and ACMG recommends reporting only known pathogenic variants for this gene

Literature cited by the submitters: PubMed 24414418 (cited by Color Diagnostics, LLC DBA Color Health); PubMed 26269449 (cited by 3 submitters); PubMed 32887801 (cited by Color Diagnostics, LLC DBA Color Health).